The following is an entry in ClinVar:

ClinVar aggregate classification (germline): Pathogenic (1 of 4 stars; one submission).

Conditions:
Chédiak-Higashi syndrome (CHS). Also called: Chediak-Higashi Syndrome. Identifiers: Orphanet 167, MedGen C0007965, MONDO:0008963, OMIM 214500.

Submission:

Labcorp Genetics (formerly Invitae), Labcorp
Classification: Pathogenic for Chédiak-Higashi syndrome. Last evaluated: 2024-01-31. Review status: criteria provided, single submitter. Criteria: Invitae Variant Classification Sherloc (09022015). Collection method: clinical testing. Allele origin: germline.
Comment: This sequence change creates a premature translational stop signal (p.Ser1840*) in the LYST gene. It is expected to result in an absent or disrupted protein product. Loss-of-function variants in LYST are known to be pathogenic (PMID: 9215679, 11857544). This variant is not present in population databases (gnomAD no frequency). This variant has not been reported in the literature in individuals affected with LYST-related conditions. For these reasons, this variant has been classified as Pathogenic.

Literature cited by the submitters: PubMed 9215679; PubMed 11857544.

NM_000081.4(LYST):c.5519C>G (p.Ser1840Ter)

Gene: LYST (lysosomal trafficking regulator; minus strand). Cytogenetic location: 1q42.3.
Variant type: single nucleotide variant.
Coding change: c.5519C>G on transcript NM_000081.4 (MANE Select); coding-DNA position 5519, C replaced by G.
Protein change: p.Ser1840Ter; replaces serine 1840 with a stop codon.
Molecular consequence: nonsense.
Genome position (GRCh38, 1-based): chr1:235,775,028, G>C on the plus strand (C>G on the coding strand, the complement: LYST is on the minus strand). VCF-style: chr1-235775028-G-C. GRCh37 (hg19) VCF-style: chr1-235938328-G-C.
Other names: c.5519C>G, p.Ser1840Ter (NM_001301365.1); short protein forms S1840*.
Identifiers: ClinVar variation 2714322 (VCV002714322.3), dbSNP rs752402013, ClinGen allele CA344951661.